The following is an entry in ClinVar:

ClinVar aggregate classification (germline): Uncertain significance (0 of 4 stars; one submission).

Conditions:
Developmental and epileptic encephalopathy, 42 (DEE42A). Also called: Epileptic encephalopathy, early infantile, 42; DEVELOPMENTAL AND EPILEPTIC ENCEPHALOPATHY 42A; EPILEPTIC ENCEPHALOPATHY, EARLY INFANTILE, 42A. Identifiers: MedGen C4310716, MONDO:0014917, OMIM 617106.

gnomAD v4.1: 5 of 1,370,700 alleles (0.00036%); highest among the groups gnomAD compares: Non-Finnish European, 0.00047%; no homozygotes.

Submission:

Diagnostics Centre, Carl Von Ossietzky University Oldenburg
Classification: Uncertain significance for Developmental and epileptic encephalopathy, 42. Last evaluated: 2025-03-31. Review status: no assertion criteria provided. Collection method: clinical testing. Allele origin: germline. Affected: yes. Observed: 1 variant allele.
Comment: The variant CACNA1A:c.7103A>T p.(Glu2368Val) which is located in the coding exon 47 of the CACNA1A gene results from a adenine to thymine substitution at nucleotide position c.7103. The glutamic acid residue at protein position 2368 is replaced by a valine. This change is assessed as tolerated by in silico tools (REVEL = 0.26). The variant has not yet been described in Clinvar or any publications known to us. The variant is classified as rare in the overall population (MAF = 3.6*e-6 in gnomAD v4.1.0). In summary, this variant is classified as a variant of unclear significance.

NM_001127222.2(CACNA1A):c.7103A>T (p.Glu2368Val)

Gene: CACNA1A (calcium voltage-gated channel subunit alpha1 A; minus strand). Cytogenetic location: 19p13.13.
Variant type: single nucleotide variant.
Coding change: c.7103A>T on transcript NM_001127222.2 (MANE Select); coding-DNA position 7103, A replaced by T.
Protein change: p.Glu2368Val; replaces glutamic acid 2368 with valine.
Molecular consequence: missense variant. On other transcripts: 3 prime UTR variant (3).
Genome position (GRCh38, 1-based): chr19:13,207,731, T>A on the plus strand (A>T on the coding strand, the complement: CACNA1A is on the minus strand). VCF-style: chr19-13207731-T-A. GRCh37 (hg19) VCF-style: chr19-13318545-T-A.
Other names: c.*315A>T (NM_000068.4, NM_001127221.2, NM_001174080.2); c.7121A>T, p.Glu2374Val (NM_023035.3); short protein forms E2368V, E2374V.
Identifiers: ClinVar variation 4530652 (VCV004530652.1), dbSNP rs757251710.